The following is an entry in ClinVar:

NM_001386140.1(MTTP):c.419dup (p.Asn140fs)

Gene: MTTP (microsomal triglyceride transfer protein; plus strand). Cytogenetic location: 4q23.
Variant type: Duplication.
Coding change: c.419dup on transcript NM_001386140.1 (MANE Select); coding-DNA position 419, one base duplicated (A; older notation c.419dupA).
Protein change: p.Asn140fs; shifts the reading frame from asparagine 140.
Molecular consequence: frameshift variant.
Genome position (GRCh38, 1-based): chr4:99,589,668, A duplicated; the last of 4 consecutive A bases (chr4:99,589,665-99,589,668); duplicating any one gives the same sequence. VCF-style (leftmost placement, unchanged base first): chr4-99589664-C-CA. GRCh37 (hg19) VCF-style: chr4-100510821-C-CA.
Other names: p.Asn140Lysfs*2; c.419dup, p.Asn140fs (NM_000253.4); c.170dup, p.Asn57fs (NM_001300785.2); c.419dupA (NM_000253.3); c.419dup (NM_000253.3); short protein forms N140fs, N57fs.
Identifiers: ClinVar variation 1072850 (VCV001072850.16), dbSNP rs762901763, ClinGen allele CA3021846.

ClinVar aggregate classification (germline): Pathogenic. Review status: criteria provided, multiple submitters, no conflicts (2 of 4 stars). 8 submissions from 8 submitters: Pathogenic (7). 1 of the submissions does not count toward it. Last evaluated 2025-09-02.

Conditions:
MTTP-related disorder. Also called: MTTP-related condition.
Abetalipoproteinaemia (ABL). Also called: MTP DEFICIENCY; Abetalipoproteinemia; Abetalipoproteinemia neuropathy; Apolipoprotein B deficiency; Congenital betalipoprotein deficiency syndrome. Identifiers: Orphanet 14, MedGen C0000744, MONDO:0008692, OMIM 200100, HP:0008181.

Submissions (8):

Labcorp Genetics (formerly Invitae), Labcorp
Classification: Pathogenic. Last evaluated: 2025-09-02. Review status: criteria provided, single submitter. Criteria: Invitae Variant Classification Sherloc (09022015). Collection method: clinical testing. Allele origin: germline.
Comment: This sequence change creates a premature translational stop signal (p.Asn140Lysfs*2) in the MTTP gene. It is expected to result in an absent or disrupted protein product. Loss-of-function variants in MTTP are known to be pathogenic (PMID: 8533758, 9671739). This variant is present in population databases (rs762901763, gnomAD 0.007%). This premature translational stop signal has been observed in individuals with abetalipoproteinemia (PMID: 8533758). ClinVar contains an entry for this variant (Variation ID: 1072850). For these reasons, this variant has been classified as Pathogenic.

Natera, Inc.
Classification: Pathogenic for Abetalipoproteinemia. Last evaluated: 2025-08-21. Review status: criteria provided, single submitter. Criteria: Natera Variant Classification Schema (03/2026). Collection method: clinical testing. Allele origin: germline.
Comment: The c.419dupA variant in MTTP is a frameshift variant predicted to shift the reading frame beginning at codon 140 and leads to a stop codon 2 codons downstream. This variant is expected to result in nonsense mediated decay, truncation, or a dysfunctional protein product. This variant is rare in the general population with a frequency below the threshold expected for the associated phenotype(s). This variant has been observed in one or more individuals affected with the associated recessive disease, as either homozygous or compound heterozygous with a second variant (PMID: 8533758). Given the available evidence, this variant is classified as Pathogenic.

Blueprint Genetics
Classification: Pathogenic for MTTP-related disorders. Last evaluated: 2024-10-30. Review status: criteria provided, single submitter. Criteria: ACMG Guidelines, 2015. Collection method: clinical testing. Allele origin: germline. Affected: yes. Observed: 5 variant alleles.

Myriad Genetics, Inc.
Classification: Pathogenic for Abetalipoproteinaemia. Last evaluated: 2024-05-06. Review status: criteria provided, single submitter. Criteria: Myriad Autosomal Dominant, Autosomal Recessive and X-Linked Classification Criteria (2023). Collection method: clinical testing. Allele origin: unknown.
Comment: NM_000253.2(MTTP):c.419dupA(N140Kfs*2) is expected to be pathogenic in the context of abetalipoproteinemia. This variant is predicted to lead to an abnormal or absent protein product due to the creation of a premature termination codon in MTTP, a gene where loss-of-function variants are known to be pathogenic. Please note: this variant was assessed in the context of healthy population screening.

Fulgent Genetics
Classification: Pathogenic for Abetalipoproteinaemia. Last evaluated: 2024-04-30. Review status: criteria provided, single submitter. Criteria: ACMG Guidelines, 2015. Collection method: clinical testing. Allele origin: germline.

Mayo Clinic Laboratories, Mayo Clinic
Classification: Pathogenic. Last evaluated: 2023-11-03. Review status: criteria provided, single submitter. Criteria: ACMG Guidelines, 2015. Collection method: clinical testing. Allele origin: germline. Observed: 1 variant allele.
Comment: PM2_moderate, PM3_strong, PVS1

Women's Health and Genetics/Laboratory Corporation of America, LabCorp
Classification: Pathogenic for Abetalipoproteinaemia. Last evaluated: 2023-01-23. Review status: criteria provided, single submitter. Criteria: LabCorp Variant Classification Summary - May 2015. Collection method: clinical testing. Allele origin: germline.
Comment: Variant summary: MTTP c.419dupA (p.Asn140LysfsX2) results in a premature termination codon, predicted to cause a truncation of the encoded protein or absence of the protein due to nonsense mediated decay, which are commonly known mechanisms for disease. Truncations downstream of this position have been classified as pathogenic by our laboratory. The variant allele was found at a frequency of 2.4e-05 in 251188 control chromosomes (gnomAD). c.419dupA has been reported in the literature in multiple homozygous and compound heterozygous individuals affected with Abetalipoproteinaemia (Bassen-Kornzweig Syndrome) (e.g. Narcisi_1995, Ohashi_2000). These data indicate that the variant is very likely to be associated with disease. At least one publication reports experimental evidence demonstrating that a truncation downstream from the variant results in <5% of normal activity, suggesting this variant would likely also severely impact protein function (e.g. Narcisi_1995). Two clinical diagnostic laboratories have submitted clinical-significance assessments for this variant to ClinVar after 2014 and both classified the variant as pathogenic. Based on the evidence outlined above, the variant was classified as pathogenic.

PreventionGenetics, part of Exact Sciences
Classification: Pathogenic for MTTP-related condition. Last evaluated: 2024-07-22. Review status: no assertion criteria provided. Collection method: clinical testing. Allele origin: germline. Not counted in ClinVar's aggregate classification.
Comment: The MTTP c.419dupA variant is predicted to result in a frameshift and premature protein termination (p.Asn140Lysfs*2). This variant has been reported in the homozygous and compound heterozygous states in multiple individuals with abetalipoproteinemia (Narcisi et al. 1995. PubMed ID: 8533758; Ohashi et al. 2000. PubMed ID: 10946006). This variant is reported in 0.0070% of alleles in individuals of European (Non-Finnish) descent in gnomAD. Frameshift variants in MTTP are expected to be pathogenic. This variant is interpreted as pathogenic.

Literature cited by the submitters: PubMed 8533758 (cited by 4 submitters); PubMed 9671739 (cited by Labcorp Genetics (formerly Invitae), Labcorp); PubMed 31964843 (cited by Mayo Clinic Laboratories, Mayo Clinic); PubMed 37206948 (cited by Mayo Clinic Laboratories, Mayo Clinic); PubMed 10946006 (cited by Women's Health and Genetics/Laboratory Corporation of America, LabCorp).